The following is an entry in ClinVar:

NM_001999.4(FBN2):c.4928C>G (p.Pro1643Arg)

Gene: FBN2 (fibrillin 2; minus strand). Cytogenetic location: 5q23.3.
Variant type: single nucleotide variant.
Coding change: c.4928C>G on transcript NM_001999.4 (MANE Select); coding-DNA position 4928, C replaced by G.
Protein change: p.Pro1643Arg; replaces proline 1643 with arginine.
Molecular consequence: missense variant.
Genome position (GRCh38, 1-based): chr5:128,311,905, G>C on the plus strand (C>G on the coding strand, the complement: FBN2 is on the minus strand). VCF-style: chr5-128311905-G-C. GRCh37 (hg19) VCF-style: chr5-127647597-G-C.
Other names: short protein forms P1643R.
Identifiers: ClinVar variation 213413 (VCV000213413.10), dbSNP rs863223609, ClinGen allele CA323167.

ClinVar aggregate classification (germline): Uncertain significance. Review status: criteria provided, multiple submitters, no conflicts (2 of 4 stars). 2 submissions from 2 submitters: Uncertain significance (2). Last evaluated 2020-12-23.

Conditions:
Congenital contractural arachnodactyly (CCA). Also called: Beals-Hecht syndrome; BEALS SYNDROME; Arthrogryposis, distal, type 9. Identifiers: Orphanet 115, MedGen C0220668, MONDO:0007363, OMIM 121050.

Submissions (2):

Labcorp Genetics (formerly Invitae), Labcorp
Classification: Uncertain significance for Congenital contractural arachnodactyly. Last evaluated: 2020-12-23. Review status: criteria provided, single submitter. Criteria: Invitae Variant Classification Sherloc (09022015). Collection method: clinical testing. Allele origin: germline.
Comment: In summary, the available evidence is currently insufficient to determine the role of this variant in disease. Therefore, it has been classified as a Variant of Uncertain Significance. Algorithms developed to predict the effect of missense changes on protein structure and function (SIFT, PolyPhen-2, Align-GVGD) all suggest that this variant is likely to be disruptive, but these predictions have not been confirmed by published functional studies and their clinical significance is uncertain. This variant has not been reported in the literature in individuals with FBN2-related conditions. ClinVar contains an entry for this variant (Variation ID: 213413). This variant is not present in population databases (ExAC no frequency). This sequence change replaces proline with arginine at codon 1643 of the FBN2 protein (p.Pro1643Arg). The proline residue is highly conserved and there is a moderate physicochemical difference between proline and arginine.

GeneDx
Classification: Uncertain significance. Last evaluated: 2017-08-11. Review status: criteria provided, single submitter. Criteria: GeneDx Variant Classification (06012015). Collection method: clinical testing. Allele origin: germline. Affected: yes.
Comment: p.Pro1643Arg (CCC>CGC): c.4928 C>G in exon 38 of the FBN2 gene (NM_001999.3) Mutations in the FBN2 gene have been reported in 27-75% of patients with autosomal dominant congenital contractural arachnodactyly, which is associated with a risk of aortic root dilatation (Godfrey M et al., 2012). The P1643R variant has not been published as a mutation, nor has it been reported as a benign polymorphism to our knowledge. The P1643R variant was not observed in approximately 6,500 individuals of European and African American ancestry in the NHLBI Exome Sequencing Project, indicating it is not a common benign variant in these populations. The P1643R variant is a non-conservative amino acid substitution, which is likely to impact secondary protein structure as these residues differ in polarity, charge, size and/or other properties. This substitution occurs at a position that is conserved across species. In silico analysis predicts this variant is probably damaging to the protein structure/function. Nevertheless, no missense mutations in nearby residues have been reported in association with contractural arachnodactyly, suggesting this region of the protein may be tolerant of change. Therefore, based on the currently available information, it is unclear whether this variant is a pathogenic mutation or a rare benign variant. This variant was found in TAAD